The following is an entry in ClinVar:

NM_001376013.1(EPB41):c.1652C>A (p.Ser551Ter)

Gene: EPB41 (erythrocyte membrane protein band 4.1; plus strand). Cytogenetic location: 1p35.3.
Variant type: single nucleotide variant.
Coding change: c.1652C>A on transcript NM_001376013.1 (MANE Select); coding-DNA position 1652, C replaced by A.
Protein change: p.Ser551Ter; replaces serine 551 with a stop codon.
Molecular consequence: nonsense.
Genome position (GRCh38, 1-based): chr1:29,053,119, C>A. VCF-style: chr1-29053119-C-A. GRCh37 (hg19) VCF-style: chr1-29379631-C-A.
Other names: c.1652C>A, p.Ser551Ter (NM_001166005.2, NM_001166006.2, NM_001376014.1 and 5 more transcripts); c.1025C>A, p.Ser342Ter (NM_001166007.2, NM_001376022.1, NM_001376023.1 and 5 more transcripts); c.1649C>A, p.Ser550Ter (NM_001376018.1, NM_001376020.1); c.1022C>A, p.Ser341Ter (NM_001376026.1, NM_001376028.1); c.1547C>A, p.Ser516Ter (NM_203343.3); short protein forms S341*, S342*, S516*, S550*, S551*.
Identifiers: ClinVar variation 2631490 (VCV002631490.1), dbSNP rs537037014, ClinGen allele CA339525596.

ClinVar aggregate classification (germline): Likely pathogenic (1 of 4 stars; one submission).

Conditions:
EPB41-related disorder. Also called: EPB41-related condition.

gnomAD v4.1: 2 of 1,614,022 alleles (0.00012%); highest among the groups gnomAD compares: South Asian, 0.0011%; no homozygotes.

Submission:

PreventionGenetics, part of Exact Sciences
Classification: Likely pathogenic for EPB41-related condition. Last evaluated: 2023-07-06. Review status: criteria provided, single submitter. Criteria: ACMG Guidelines, 2015. Collection method: clinical testing. Allele origin: germline.
Comment: The EPB41 c.1025C>A variant is predicted to result in premature protein termination (p.Ser342*). To our knowledge, this variant has not been reported in the literature or in a large population database, indicating this variant is rare. Nonsense variants in EPB41 are expected to be pathogenic. This variant is interpreted as likely pathogenic.